The following is an entry in ClinVar:

ClinVar aggregate classification (germline): Benign/Likely benign. Review status: criteria provided, multiple submitters, no conflicts (2 of 4 stars). 4 submissions from 4 submitters: Benign (1); Likely benign (2). 1 of the submissions does not count toward it. Last evaluated 2026-08-01.

Conditions:
MAST1-related disorder. Also called: MAST1-related condition.

Allele frequency attached by ClinVar (database versions not stated): ExAC 0.00178; ESP Exome Variant Server 0.00026; gnomAD 0.00058; 1000 Genomes Project 30x 0.00062; gnomAD exomes 0.00068; TOPMed 0.00088; 1000 Genomes Project 0.00100.
gnomAD v4.1: 1,154 of 1,588,512 alleles (0.073%); highest among the groups gnomAD compares: South Asian, 0.4%; 7 homozygotes.

Submissions (4):

CeGaT Center for Human Genetics Tuebingen
Classification: Likely benign. Last evaluated: 2026-08-01. Review status: criteria provided, single submitter. Criteria: CeGaT Center For Human Genetics Tuebingen Variant Classification Criteria Version 2. Collection method: clinical testing. Allele origin: germline. Affected: yes. Observed: 7 variant alleles.
Comment: MAST1: BP4, BP7

Labcorp Genetics (formerly Invitae), Labcorp
Classification: Benign. Last evaluated: 2025-12-25. Review status: criteria provided, single submitter. Criteria: Invitae Variant Classification Sherloc (09022015). Collection method: clinical testing. Allele origin: germline.

Blueprint Genetics
Classification: Likely benign. Last evaluated: 2024-11-22. Review status: criteria provided, single submitter. Criteria: ACMG Guidelines, 2015. Collection method: clinical testing. Allele origin: germline.

PreventionGenetics, part of Exact Sciences
Classification: Likely benign for MAST1-related condition. Last evaluated: 2019-05-30. Review status: no assertion criteria provided. Collection method: clinical testing. Allele origin: germline. Not counted in ClinVar's aggregate classification.
Comment: This variant is classified as likely benign based on ACMG/AMP sequence variant interpretation guidelines (Richards et al. 2015 PMID: 25741868, with internal and published modifications).

NM_014975.3(MAST1):c.4122G>A (p.Ala1374=)

Gene: MAST1 (microtubule associated serine/threonine kinase 1; plus strand). Cytogenetic location: 19p13.13.
Variant type: single nucleotide variant.
Coding change: c.4122G>A on transcript NM_014975.3 (MANE Select); coding-DNA position 4122, G replaced by A.
Protein change: p.Ala1374=; no amino-acid change (alanine 1374 retained).
Molecular consequence: synonymous variant.
Genome position (GRCh38, 1-based): chr19:12,874,279, G>A. VCF-style: chr19-12874279-G-A. GRCh37 (hg19) VCF-style: chr19-12985093-G-A.
Other names: c.4122G>A (NM_014975.2).
Identifiers: ClinVar variation 2052248 (VCV002052248.30), dbSNP rs199969087, ClinGen allele CA9233521.